The following is an entry in ClinVar:

ClinVar aggregate classification (germline): Uncertain significance. Review status: criteria provided, multiple submitters, no conflicts (2 of 4 stars). 2 submissions from 2 submitters: Uncertain significance (2). Last evaluated 2025-10-01.

Conditions:
Inborn genetic diseases. Identifiers: MedGen C0950123, MeSH D030342.
Epidermolysis bullosa simplex with nail dystrophy (EBS5D). Identifiers: MedGen C4225309, MONDO:0014661, OMIM 616487.
Epidermolysis bullosa simplex 5B, with muscular dystrophy (EBS5B). Also called: EPIDERMOLYSIS BULLOSA SIMPLEX AND LIMB-GIRDLE MUSCULAR DYSTROPHY; Epidermolysis bullosa simplex with muscular dystrophy. Identifiers: Orphanet 257, MedGen C2931072, MONDO:0009181, OMIM 226670.
Epidermolysis bullosa simplex, Ogna type (EBS5A). Also called: Pidermolysis bullosa simplex 5A, Ogna type; EPIDERMOLYSIS BULLOSA SIMPLEX 5A, OGNA TYPE. Identifiers: Orphanet 79401, MedGen C0432317, MONDO:0007555, OMIM 131950.
Autosomal recessive limb-girdle muscular dystrophy type 2Q (LGMDR17). Also called: MUSCULAR DYSTROPHY, LIMB-GIRDLE, AUTOSOMAL RECESSIVE 17. Identifiers: Orphanet 254361, MedGen C3150989, MONDO:0013390, OMIM 613723.
Epidermolysis bullosa simplex 5C, with pyloric atresia (EBS5C). Also called: PLEC-Related Epidermolysis Bullosa with Pyloric Atresia; Epidermolysis bullosa simplex with pyloric atresia; PLEC1-Related Epidermolysis Bullosa with Pyloric Atresia. Identifiers: Orphanet 158684, MedGen C2677349, MONDO:0012807, OMIM 612138.

Allele frequency attached by ClinVar (database versions not stated): gnomAD 0.00003; TOPMed 0.00004.
gnomAD v4.1: 54 of 1,590,262 alleles (0.0034%); highest among the groups gnomAD compares: Middle Eastern, 0.017%; no homozygotes.

Submissions (2):

Labcorp Genetics (formerly Invitae), Labcorp
Classification: Uncertain significance for Autosomal recessive limb-girdle muscular dystrophy type 2Q; Epidermolysis bullosa simplex, Ogna type; Epidermolysis bullosa simplex with nail dystrophy; Epidermolysis bullosa simplex 5C, with pyloric atresia; Epidermolysis bullosa simplex 5B, with muscular dystrophy. Last evaluated: 2025-10-01. Review status: criteria provided, single submitter. Criteria: Invitae Variant Classification Sherloc (09022015). Collection method: clinical testing. Allele origin: germline.
Comment: This sequence change replaces arginine, which is basic and polar, with histidine, which is basic and polar, at codon 3433 of the PLEC protein (p.Arg3433His). This variant is present in population databases (no rsID available, gnomAD 0.003%). This variant has not been reported in the literature in individuals affected with PLEC-related conditions. ClinVar contains an entry for this variant (Variation ID: 538978). Invitae Evidence Modeling of protein sequence and biophysical properties (such as structural, functional, and spatial information, amino acid conservation, physicochemical variation, residue mobility, and thermodynamic stability) has been performed for this missense variant. However, the output from this modeling did not meet the statistical confidence thresholds required to predict the impact of this variant on PLEC protein function. In summary, the available evidence is currently insufficient to determine the role of this variant in disease. Therefore, it has been classified as a Variant of Uncertain Significance.

Ambry Genetics
Classification: Uncertain significance for Inborn genetic diseases. Last evaluated: 2025-08-13. Review status: criteria provided, single submitter. Criteria: Ambry Variant Classification Scheme 2023. Collection method: clinical testing. Allele origin: germline.

NM_201384.3(PLEC):c.10217G>A (p.Arg3406His)

Gene: PLEC (plectin; minus strand). Cytogenetic location: 8q24.3.
Variant type: single nucleotide variant.
Coding change: c.10217G>A on transcript NM_201384.3 (MANE Select); coding-DNA position 10217, G replaced by A.
Protein change: p.Arg3406His; replaces arginine 3406 with histidine.
Molecular consequence: missense variant.
Genome position (GRCh38, 1-based): chr8:143,919,604, C>T on the plus strand (G>A on the coding strand, the complement: PLEC is on the minus strand). VCF-style: chr8-143919604-C-T. GRCh37 (hg19) VCF-style: chr8-144993772-C-T.
Other names: c.10298G>A, p.Arg3433His (NM_000445.5); c.10175G>A, p.Arg3392His (NM_201378.4); c.10151G>A, p.Arg3384His (NM_201379.3); c.10628G>A, p.Arg3543His (NM_201380.4); c.10121G>A, p.Arg3374His (NM_201381.3); c.10217G>A, p.Arg3406His (NM_201382.4); c.10229G>A, p.Arg3410His (NM_201383.3); c.10298G>A (NM_000445.3); short protein forms R3433H, R3543H, R3374H, R3384H, R3392H, R3406H, R3410H.
Identifiers: ClinVar variation 538978 (VCV000538978.13), dbSNP rs782495077, ClinGen allele CA372502801.